The following is an entry in ClinVar:

NM_001903.5(CTNNA1):c.1796G>C (p.Ser599Thr)

Gene: CTNNA1 (catenin alpha 1; plus strand). Cytogenetic location: 5q31.2.
Variant type: single nucleotide variant.
Coding change: c.1796G>C on transcript NM_001903.5 (MANE Select); coding-DNA position 1796, G replaced by C.
Protein change: p.Ser599Thr; replaces serine 599 with threonine.
Molecular consequence: missense variant.
Genome position (GRCh38, 1-based): chr5:138,925,304, G>C. VCF-style: chr5-138925304-G-C. GRCh37 (hg19) VCF-style: chr5-138260993-G-C.
Other names: c.1796G>C, p.Ser599Thr (NM_001290307.3, NM_001323982.2, NM_001323983.1 and 2 more transcripts); c.1487G>C, p.Ser496Thr (NM_001290309.3); c.1427G>C, p.Ser476Thr (NM_001290310.3); c.686G>C, p.Ser229Thr (NM_001290312.1, NM_001323987.1, NM_001323988.1 and 17 more transcripts); c.1703G>C, p.Ser568Thr (NM_001323986.2); c.347G>C, p.Ser116Thr (NM_001324006.1, NM_001324007.1, NM_001324008.1 and 2 more transcripts); c.593G>C, p.Ser198Thr (NM_001324011.1); c.443G>C, p.Ser148Thr (NM_001324012.1, NM_001324013.1); short protein forms S116T, S148T, S229T, S599T, S198T, S496T, S476T, S568T.
Identifiers: ClinVar variation 655771 (VCV000655771.6), dbSNP rs1580861345, ClinGen allele CA361132223.

ClinVar aggregate classification (germline): Uncertain significance (1 of 4 stars; one submission).

Submission:

Labcorp Genetics (formerly Invitae), Labcorp
Classification: Uncertain significance. Last evaluated: 2025-03-17. Review status: criteria provided, single submitter. Criteria: Invitae Variant Classification Sherloc (09022015). Collection method: clinical testing. Allele origin: germline.
Comment: This sequence change replaces serine, which is neutral and polar, with threonine, which is neutral and polar, at codon 599 of the CTNNA1 protein (p.Ser599Thr). This variant is not present in population databases (gnomAD no frequency). This variant has not been reported in the literature in individuals affected with CTNNA1-related conditions. ClinVar contains an entry for this variant (Variation ID: 655771). Invitae Evidence Modeling of protein sequence and biophysical properties (such as structural, functional, and spatial information, amino acid conservation, physicochemical variation, residue mobility, and thermodynamic stability) indicates that this missense variant is not expected to disrupt CTNNA1 protein function with a negative predictive value of 80%. In summary, the available evidence is currently insufficient to determine the role of this variant in disease. Therefore, it has been classified as a Variant of Uncertain Significance.